The following is an entry in ClinVar:

NM_006766.5(KAT6A):c.709+2T>C

Gene: KAT6A (lysine acetyltransferase 6A; minus strand). Cytogenetic location: 8p11.21.
Variant type: single nucleotide variant.
Coding change: c.709+2T>C on transcript NM_006766.5 (MANE Select); the canonical splice donor site of the intron after coding-DNA position 709, T replaced by C.
Molecular consequence: splice donor variant.
Genome position (GRCh38, 1-based): chr8:41,987,453, A>G on the plus strand (T>C on the coding strand, the complement: KAT6A is on the minus strand). VCF-style: chr8-41987453-A-G. GRCh37 (hg19) VCF-style: chr8-41844971-A-G.
Other names: c.709+2T>C (NM_001305878.2).
Identifiers: ClinVar variation 4726938 (VCV004726938.1).

ClinVar aggregate classification (germline): Likely pathogenic (1 of 4 stars; one submission).

Submission:

Labcorp Genetics (formerly Invitae), Labcorp
Classification: Likely pathogenic. Last evaluated: 2025-09-15. Review status: criteria provided, single submitter. Criteria: Invitae Variant Classification Sherloc (09022015). Collection method: clinical testing. Allele origin: germline.
Comment: This sequence change affects a donor splice site in intron 3 of the KAT6A gene. It is expected to disrupt RNA splicing. Variants that disrupt the donor or acceptor splice site typically lead to a loss of protein function (PMID: 16199547), and loss-of-function variants in KAT6A are known to be pathogenic (PMID: 25728775, 25728777, 27133397). This variant is not present in population databases (gnomAD no frequency). This variant has not been reported in the literature in individuals affected with KAT6A-related conditions. Algorithms developed to predict the effect of sequence changes on RNA splicing suggest that this variant may disrupt the consensus splice site. In summary, the currently available evidence indicates that the variant is pathogenic, but additional data are needed to prove that conclusively. Therefore, this variant has been classified as Likely Pathogenic.

Literature cited by the submitters: PubMed 16199547; PubMed 25728775; PubMed 25728777; PubMed 27133397.